The following is an entry in ClinVar:

NM_000257.4(MYH7):c.1108del (p.Glu370fs)

Gene: MYH7 (myosin heavy chain 7; minus strand). Cytogenetic location: 14q11.2.
Variant type: Deletion.
Coding change: c.1108del on transcript NM_000257.4 (MANE Select); coding-DNA position 1108, one base deleted (G; older notation c.1108delG).
Protein change: p.Glu370fs; shifts the reading frame from glutamic acid 370.
Molecular consequence: frameshift variant.
Genome position (GRCh38, 1-based): chr14:23,429,805, C deleted on the plus strand (G on the coding strand, the reverse complement: MYH7 is on the minus strand); the first of 3 consecutive C bases (chr14:23,429,805-23,429,807); deleting any one gives the same sequence. VCF-style (leftmost placement, unchanged base first): chr14-23429804-TC-T. GRCh37 (hg19) VCF-style: chr14-23899013-TC-T.
Other names: c.1108del, p.Glu370fs (NM_001407004.1); short protein forms E370fs.
Identifiers: ClinVar variation 2815876 (VCV002815876.3), dbSNP rs2502305285, ClinGen allele CA2739271910.

ClinVar aggregate classification (germline): Uncertain significance (1 of 4 stars; one submission).

Conditions:
Hypertrophic cardiomyopathy. Also called: HYPERTROPHIC MYOCARDIOPATHY. Identifiers: Orphanet 217569, MedGen C0007194, MeSH D002312, MONDO:0005045, HP:0001639.

Submission:

Labcorp Genetics (formerly Invitae), Labcorp
Classification: Uncertain significance for Hypertrophic cardiomyopathy. Last evaluated: 2024-06-25. Review status: criteria provided, single submitter. Criteria: Invitae Variant Classification Sherloc (09022015). Collection method: clinical testing. Allele origin: germline.
Comment: This sequence change creates a premature translational stop signal (p.Glu370Argfs*21) in the MYH7 gene. It is expected to result in an absent or disrupted protein product. However, the current clinical and genetic evidence is not sufficient to establish whether loss-of-function variants in MYH7 cause disease. This variant is not present in population databases (gnomAD no frequency). This variant has not been reported in the literature in individuals affected with MYH7-related conditions. In summary, the available evidence is currently insufficient to determine the role of this variant in disease. Therefore, it has been classified as a Variant of Uncertain Significance.